The following is an entry in ClinVar:

ClinVar aggregate classification (germline): Likely benign. Review status: criteria provided, multiple submitters, no conflicts (2 of 4 stars). 2 submissions from 2 submitters: Likely benign (2). Last evaluated 2026-01-27.

Conditions:
Catecholaminergic polymorphic ventricular tachycardia 1. Also called: VENTRICULAR TACHYCARDIA, CATECHOLAMINERGIC POLYMORPHIC, 1, WITH OR WITHOUT ATRIAL DYSFUNCTION AND/OR DILATED CARDIOMYOPATHY; RYR2-Related Catecholaminergic Polymorphic Ventricular Tachycardia; VENTRICULAR TACHYCARDIA, STRESS-INDUCED POLYMORPHIC 1. Identifiers: Orphanet 3286, MedGen C1631597, MONDO:0011484, OMIM 604772.

Allele frequency attached by ClinVar (database versions not stated): gnomAD exomes below 0.00001; gnomAD 0.00001; TOPMed 0.00001; ExAC 0.00002; ESP Exome Variant Server 0.00009.
gnomAD v4.1: 7 of 1,487,810 alleles (0.00047%); highest among the groups gnomAD compares: Admixed American, 0.0019%; no homozygotes.

Submissions (2):

Labcorp Genetics (formerly Invitae), Labcorp
Classification: Likely benign for Catecholaminergic polymorphic ventricular tachycardia 1. Last evaluated: 2026-01-27. Review status: criteria provided, single submitter. Criteria: Invitae Variant Classification Sherloc (09022015). Collection method: clinical testing. Allele origin: germline.

GeneDx
Classification: Likely benign. Last evaluated: 2018-04-25. Review status: criteria provided, single submitter. Criteria: GeneDx Variant Classification (06012015). Collection method: clinical testing. Allele origin: germline. Affected: yes.
Comment: This variant is considered likely benign or benign based on one or more of the following criteria: it is a conservative change, it occurs at a poorly conserved position in the protein, it is predicted to be benign by multiple in silico algorithms, and/or has population frequency not consistent with disease.

NM_006073.4(TRDN):c.1952-10C>A

Gene: TRDN (triadin; minus strand). Cytogenetic location: 6q22.31.
Variant type: single nucleotide variant.
Coding change: c.1952-10C>A on transcript NM_006073.4 (MANE Select); 10 bases into the intron before coding-DNA position 1952, C replaced by A.
Molecular consequence: intron variant.
Genome position (GRCh38, 1-based): chr6:123,252,445, G>T on the plus strand (C>A on the coding strand, the complement: TRDN is on the minus strand). VCF-style: chr6-123252445-G-T. GRCh37 (hg19) VCF-style: chr6-123573590-G-T.
Identifiers: ClinVar variation 682167 (VCV000682167.2), dbSNP rs375983814, ClinGen allele CA3983675.